The following is an entry in ClinVar:

NM_004369.4(COL6A3):c.6489C>G (p.Asp2163Glu)

Gene: COL6A3 (collagen type VI alpha 3 chain; minus strand). Cytogenetic location: 2q37.3.
Variant type: single nucleotide variant.
Coding change: c.6489C>G on transcript NM_004369.4 (MANE Select); coding-DNA position 6489, C replaced by G.
Protein change: p.Asp2163Glu; replaces aspartic acid 2163 with glutamic acid.
Molecular consequence: missense variant.
Genome position (GRCh38, 1-based): chr2:237,357,865, G>C on the plus strand (C>G on the coding strand, the complement: COL6A3 is on the minus strand). VCF-style: chr2-237357865-G-C. GRCh37 (hg19) VCF-style: chr2-238266508-G-C.
Other names: c.4668C>G, p.Asp1556Glu (NM_057166.5); c.5871C>G, p.Asp1957Glu (NM_057167.4); short protein forms D1556E, D1957E, D2163E.
Identifiers: ClinVar variation 1328382 (VCV001328382.17), dbSNP rs758376967, ClinGen allele CA2188250.
Genomic context (GRCh38, chr2:237,357,865, plus strand): 5'-GCAGCACCTTACCATGGGGCCGAGGTCACCGGTTTCTCCTTTGGGTCCTCTCTCCTGGCT[G>C]TCTTGTCCTGGGTTACCCTGAAAGCAACATGGGAAAGGGAAATGAGCCACATATGGAAGG-3'
Protein context (NP_004360.2, residues 2153-2173): IRGDPGNPGQ[Asp2163Glu]SQERGPKGET

ClinVar aggregate classification (germline): Conflicting classifications of pathogenicity. Review status: criteria provided, conflicting classifications (1 of 4 stars). 4 submissions from 4 submitters: Pathogenic (1); Uncertain significance (3). Last evaluated 2026-08-01.

Conditions:
Tip-toe gait. Also called: Toe walking. Identifiers: MedGen C0427144, HP:0030051.
Bethlem myopathy 1A. Also called: MYOPATHY, BENIGN CONGENITAL, WITH CONTRACTURES; Bethlem Muscular Dystrophy; Bethlem myopathy 1. Identifiers: Orphanet 610, MedGen CN029274, MONDO:0024530, OMIM 158810.

Allele frequency attached by ClinVar (database versions not stated): ExAC 0.00001; TOPMed 0.00002.
gnomAD v4.1: 11 of 1,614,166 alleles (0.00068%); highest among the groups gnomAD compares: Non-Finnish European, 0.00085%; no homozygotes.

Submissions (4):

CeGaT Center for Human Genetics Tuebingen
Classification: Uncertain significance. Last evaluated: 2026-08-01. Review status: criteria provided, single submitter. Criteria: CeGaT Center For Human Genetics Tuebingen Variant Classification Criteria Version 2. Collection method: clinical testing. Allele origin: germline. Affected: yes. Observed: 2 variant alleles.
Comment: COL6A3: PM2

Revvity Omics, Revvity
Classification: Uncertain significance. Last evaluated: 2024-05-30. Review status: criteria provided, single submitter. Criteria: ACMG Guidelines, 2015. Collection method: clinical testing. Allele origin: germline.

Labcorp Genetics (formerly Invitae), Labcorp
Classification: Uncertain significance for Bethlem myopathy 1A. Last evaluated: 2022-03-25. Review status: criteria provided, single submitter. Criteria: Invitae Variant Classification Sherloc (09022015). Collection method: clinical testing. Allele origin: germline.
Comment: In summary, the available evidence is currently insufficient to determine the role of this variant in disease. Therefore, it has been classified as a Variant of Uncertain Significance. Advanced modeling of protein sequence and biophysical properties (such as structural, functional, and spatial information, amino acid conservation, physicochemical variation, residue mobility, and thermodynamic stability) performed at Invitae indicates that this missense variant is not expected to disrupt COL6A3 protein function. ClinVar contains an entry for this variant (Variation ID: 1328382). This variant has not been reported in the literature in individuals affected with COL6A3-related conditions. This variant is present in population databases (rs758376967, gnomAD 0.002%). This sequence change replaces aspartic acid, which is acidic and polar, with glutamic acid, which is acidic and polar, at codon 2163 of the COL6A3 protein (p.Asp2163Glu).

Practice for Gait Abnormalities, David Pomarino, Competency Network Toe Walking C/o Practice Pomarino
Classification: Pathogenic for Tip-toe gait. Last evaluated: 2021-04-22. Review status: criteria provided, single submitter. Criteria: ACMG Guidelines, 2015. Collection method: clinical testing. Allele origin: de novo. Affected: yes.
Comment: In the COL6A3 gene, the rare variant c.6489C> G p. (Asp2163Glu) [dbSNP: rs758376967, frequency: G = 0.0008%, EXAC] was detected heterozygously, which has not yet been mentioned in the mutation databases ClinVar and HGMD. With regard to their physicochemical properties, the amino acids aspartic acid and glutamic acid hardly differ from one another. Since the position Asp-2163 in the COL6A3 protein is highly conserved across species, the two models HumDiv and HumVar of the Polyphen2 prediction program predict this variant with a high score as "probably damaging" or "possibly damaging". The fact that the patient has a "de novo" mutation may also indicate that it is a pathogenic mutation. Myopathy refers to diseases that affect skeletal Muscles. These diseases attack muscle fibers, making muscles weak. Inherited myopathies are often caused by inheriting an abnormal gene mutation from a parent that causes the disease. Symptoms of congenital myopathies usually start at birth or in early childhood, but may not appear until the teen years or even later in adulthood. Congenital myopathies are somewhat unique compared with other inherited myopathies, as weakness typically affects all muscles and is often not progressive. Symptoms are: Muscle weakness, most commonly of upper arms and shoulders and thighs, muscle cramps, stiffness and spasms, fatigue with exertion and lack of energy. Our patients all walk on tiptoe, so they show similar symptoms. When we genetically test them with our toe walking panel, we find that around 90 per cent of them have a genetic variant that explains their toe walking. These can be assigned, for example, to the area of myopathies (such as variants of the COL6A3 gene), the area of hereditary neuropathies (such as variants of the KMT2C gene) or the area of metabolic diseases (such as variants of the PYGM gene). In a smaller group of patients with almost identical symptoms, no abnormality is found in the genes of our panel, but spastic paraplegia can be detected. In another small group of our toe walkers, no abnormalities can be detected in the genes analysed in our toe walking panel, nor do they suffer from spastic paraplegia, as is also the case with healthy children. In contrast to these, however, they show a tiptoe gait. These patients suffer from infantile cerebral palsy, in which toe walking can also be observed.

Literature cited by the submitters: PubMed 37091313 (cited by Practice for Gait Abnormalities, David Pomarino, Competency Network Toe Walking C/o Practice Pomarino).